The following is an entry in ClinVar:

ClinVar aggregate classification (germline): Likely pathogenic. Review status: criteria provided, multiple submitters, no conflicts (2 of 4 stars). 3 submissions from 3 submitters: Likely pathogenic (3). Last evaluated 2024-02-25.

Conditions:
Refsum disease, classic. Also called: PHYH-Related Refsum Disease; HEREDOPATHIA ATACTICA POLYNEURITIFORMIS; HMSN IV; PHYTANIC ACID OXIDASE DEFICIENCY. Identifiers: Orphanet 773, MedGen C5780941, MONDO:1060256, OMIM 266500. Disease mechanism: loss of function.

Submissions (3):

Baylor Genetics
Classification: Likely pathogenic for Refsum disease, classic. Last evaluated: 2024-02-25. Review status: criteria provided, single submitter. Criteria: ACMG Guidelines, 2015. Collection method: clinical testing. Allele origin: unknown.

Fulgent Genetics
Classification: Likely pathogenic for Refsum disease, classic. Last evaluated: 2024-01-05. Review status: criteria provided, single submitter. Criteria: ACMG Guidelines, 2015. Collection method: clinical testing. Allele origin: germline.

Labcorp Genetics (formerly Invitae), Labcorp
Classification: Likely pathogenic. Last evaluated: 2023-09-12. Review status: criteria provided, single submitter. Criteria: Invitae Variant Classification Sherloc (09022015). Collection method: clinical testing. Allele origin: germline.
Comment: This sequence change affects a donor splice site in intron 2 of the PHYH gene. It is expected to disrupt RNA splicing. Variants that disrupt the donor or acceptor splice site typically lead to a loss of protein function (PMID: 16199547), and loss-of-function variants in PHYH are known to be pathogenic (PMID: 9326940, 14974078). This variant is not present in population databases (gnomAD no frequency). This variant has not been reported in the literature in individuals affected with PHYH-related conditions. Algorithms developed to predict the effect of sequence changes on RNA splicing suggest that this variant may disrupt the consensus splice site. In summary, the currently available evidence indicates that the variant is pathogenic, but additional data are needed to prove that conclusively. Therefore, this variant has been classified as Likely Pathogenic.

Literature cited by the submitters: PubMed 16199547 (cited by Labcorp Genetics (formerly Invitae), Labcorp); PubMed 9326940 (cited by Labcorp Genetics (formerly Invitae), Labcorp); PubMed 14974078 (cited by Labcorp Genetics (formerly Invitae), Labcorp).

NM_006214.4(PHYH):c.134+1G>A

Gene: PHYH (phytanoyl-CoA 2-hydroxylase; minus strand). Cytogenetic location: 10p13.
Variant type: single nucleotide variant.
Coding change: c.134+1G>A on transcript NM_006214.4 (MANE Select); the canonical splice donor site of the intron after coding-DNA position 134, G replaced by A.
Molecular consequence: splice donor variant. On other transcripts: intron variant (2).
Genome position (GRCh38, 1-based): chr10:13,298,186, C>T on the plus strand (G>A on the coding strand, the complement: PHYH is on the minus strand). VCF-style: chr10-13298186-C-T. GRCh37 (hg19) VCF-style: chr10-13340186-C-T.
Other names: c.134+1G>A (NM_001323083.2, NM_001323082.2); c.-167+1234G>A (NM_001037537.2, NM_001323084.2); c.-167+1G>A (NM_001323080.2).
Identifiers: ClinVar variation 2760451 (VCV002760451.5), dbSNP rs2538664377, ClinGen allele CA376038079.
Genomic context (GRCh38, chr10:13,298,186, plus strand): 5'-TACCACTCAAGAAACTTTTATATACATAATATATTTCAAAATCAAAACTCAAACTACTTA[C>T]TGGAATTGTTGAGGATGGAAACTGGCAGAGGAAATAGTCCCTGAAGTGGGATGAGCTACC-3'